The following is an entry in ClinVar:

ClinVar aggregate classification (germline): Uncertain significance (1 of 4 stars; one submission).

Conditions:
Early-infantile DEE. Also called: Early infantile epileptic encephalopathy; Early infantile epileptic encephalopathy with suppression bursts; Ohtahara syndrome. Identifiers: Orphanet 1934, MedGen C0393706, MONDO:0800491.

Submission:

Labcorp Genetics (formerly Invitae), Labcorp
Classification: Uncertain significance for Early-infantile DEE. Last evaluated: 2023-05-31. Review status: criteria provided, single submitter. Criteria: Invitae Variant Classification Sherloc (09022015). Collection method: clinical testing. Allele origin: germline.
Comment: In summary, the available evidence is currently insufficient to determine the role of this variant in disease. Therefore, it has been classified as a Variant of Uncertain Significance. Advanced modeling of protein sequence and biophysical properties (such as structural, functional, and spatial information, amino acid conservation, physicochemical variation, residue mobility, and thermodynamic stability) performed at Invitae indicates that this missense variant is not expected to disrupt KCNH5 protein function. This variant has not been reported in the literature in individuals affected with KCNH5-related conditions. This variant is not present in population databases (gnomAD no frequency). This sequence change replaces asparagine, which is neutral and polar, with isoleucine, which is neutral and non-polar, at codon 18 of the KCNH5 protein (p.Asn18Ile).

NM_139318.5(KCNH5):c.53A>T (p.Asn18Ile)

Gene: KCNH5 (potassium voltage-gated channel subfamily H member 5; minus strand). Cytogenetic location: 14q23.2.
Variant type: single nucleotide variant.
Coding change: c.53A>T on transcript NM_139318.5 (MANE Select); coding-DNA position 53, A replaced by T.
Protein change: p.Asn18Ile; replaces asparagine 18 with isoleucine.
Molecular consequence: missense variant.
Genome position (GRCh38, 1-based): chr14:63,045,134, T>A on the plus strand (A>T on the coding strand, the complement: KCNH5 is on the minus strand). VCF-style: chr14-63045134-T-A. GRCh37 (hg19) VCF-style: chr14-63511852-T-A.
Other names: c.53A>T, p.Asn18Ile (NM_172375.3); short protein forms N18I.
Identifiers: ClinVar variation 2844958 (VCV002844958.3), dbSNP rs2503123701, ClinGen allele CA390103662.